The following is an entry in ClinVar:

NM_001069.3(TUBB2A):c.178G>T (p.Val60Leu)

Gene: TUBB2A (tubulin beta 2A class IIa; minus strand). Cytogenetic location: 6p25.2.
Variant type: single nucleotide variant.
Coding change: c.178G>T on transcript NM_001069.3 (MANE Select); coding-DNA position 178, G replaced by T.
Protein change: p.Val60Leu; replaces valine 60 with leucine.
Molecular consequence: missense variant. On other transcripts: 5 prime UTR variant (1).
Genome position (GRCh38, 1-based): chr6:3,155,724, C>A on the plus strand (G>T on the coding strand, the complement: TUBB2A is on the minus strand). VCF-style: chr6-3155724-C-A. GRCh37 (hg19) VCF-style: chr6-3155958-C-A.
Other names: c.178G>T (NM_001069.2); c.-210G>T (NM_001310315.2); short protein forms V60L.
Identifiers: ClinVar variation 2758129 (VCV002758129.4), dbSNP rs2533527219, ClinGen allele CA362593337.

ClinVar aggregate classification (germline): Uncertain significance. Review status: criteria provided, multiple submitters, no conflicts (2 of 4 stars). 2 submissions from 2 submitters: Uncertain significance (2). Last evaluated 2024-03-08.

Submissions (2):

GeneDx
Classification: Uncertain significance. Last evaluated: 2024-03-08. Review status: criteria provided, single submitter. Criteria: GeneDx Variant Classification Process June 2021. Collection method: clinical testing. Allele origin: germline. Affected: yes.
Comment: Not observed at significant frequency in large population cohorts (gnomAD); In silico analysis supports that this missense variant does not alter protein structure/function; Has not been previously published as pathogenic or benign to our knowledge

Labcorp Genetics (formerly Invitae), Labcorp
Classification: Uncertain significance. Last evaluated: 2023-09-05. Review status: criteria provided, single submitter. Criteria: Invitae Variant Classification Sherloc (09022015). Collection method: clinical testing. Allele origin: germline.
Comment: This sequence change replaces valine, which is neutral and non-polar, with leucine, which is neutral and non-polar, at codon 60 of the TUBB2A protein (p.Val60Leu). This variant is not present in population databases (gnomAD no frequency). This variant has not been reported in the literature in individuals affected with TUBB2A-related conditions. Advanced modeling of protein sequence and biophysical properties (such as structural, functional, and spatial information, amino acid conservation, physicochemical variation, residue mobility, and thermodynamic stability) performed at Invitae indicates that this missense variant is expected to disrupt TUBB2A protein function. In summary, the available evidence is currently insufficient to determine the role of this variant in disease. Therefore, it has been classified as a Variant of Uncertain Significance.